The following is an entry in ClinVar:

NM_000308.4(CTSA):c.445-1G>C

Gene: CTSA (cathepsin A; plus strand). Cytogenetic location: 20q13.12.
Variant type: single nucleotide variant.
Coding change: c.445-1G>C on transcript NM_000308.4 (MANE Select); the canonical splice acceptor site of the intron before coding-DNA position 445, G replaced by C.
Molecular consequence: splice acceptor variant.
Genome position (GRCh38, 1-based): chr20:45,892,724, G>C. VCF-style: chr20-45892724-G-C. GRCh37 (hg19) VCF-style: chr20-44521363-G-C.
Other names: c.445-1G>C (NM_001127695.3); c.394-1G>C (NM_001167594.3).
Identifiers: ClinVar variation 2833872 (VCV002833872.3), dbSNP rs2515435428, ClinGen allele CA409249046.

ClinVar aggregate classification (germline): Likely pathogenic (1 of 4 stars; one submission).

Conditions:
Combined deficiency of sialidase AND beta galactosidase (GSL). Also called: NEURAMINIDASE DEFICIENCY WITH BETA-GALACTOSIDASE DEFICIENCY; NEURAMINIDASE/BETA-GALACTOSIDASE EXPRESSION; PPCA DEFICIENCY; PROTECTIVE PROTEIN/CATHEPSIN A DEFICIENCY; Galactosialidosis; CATHEPSIN A DEFICIENCY. Identifiers: Orphanet 351, MedGen C0268233, MONDO:0009737, OMIM 256540.

Submission:

Labcorp Genetics (formerly Invitae), Labcorp
Classification: Likely pathogenic for Combined deficiency of sialidase AND beta galactosidase. Last evaluated: 2023-03-17. Review status: criteria provided, single submitter. Criteria: Invitae Variant Classification Sherloc (09022015). Collection method: clinical testing. Allele origin: germline.
Comment: In summary, the currently available evidence indicates that the variant is pathogenic, but additional data are needed to prove that conclusively. Therefore, this variant has been classified as Likely Pathogenic. Algorithms developed to predict the effect of sequence changes on RNA splicing suggest that this variant may disrupt the consensus splice site. This variant has not been reported in the literature in individuals affected with CTSA-related conditions. This variant is not present in population databases (gnomAD no frequency). This sequence change affects an acceptor splice site in intron 5 of the CTSA gene. It is expected to disrupt RNA splicing. Variants that disrupt the donor or acceptor splice site typically lead to a loss of protein function (PMID: 16199547), and loss-of-function variants in CTSA are known to be pathogenic (PMID: 15110321, 23915561).

Literature cited by the submitters: PubMed 16199547; PubMed 15110321; PubMed 23915561.